The following is an entry in ClinVar:

ClinVar aggregate classification (germline): Uncertain significance. Review status: criteria provided, multiple submitters, no conflicts (2 of 4 stars). 4 submissions from 4 submitters: Uncertain significance (4). Last evaluated 2025-10-01.

Conditions:
Inborn genetic diseases. Identifiers: MedGen C0950123, MeSH D030342.
Aicardi-Goutieres syndrome 6 (AGS6). Identifiers: Orphanet 51, MedGen C3539013, MONDO:0014007, OMIM 615010.
Symmetrical dyschromatosis of extremities (DSH). Also called: DYSCHROMATOSIS SYMMETRICA HEREDITARIA 1; RETICULATE ACROPIGMENTATION OF DOHI; SYMMETRIC DYSCHROMATOSIS OF THE EXTREMITIES; Dyschromatosis symmetrica hereditaria. Identifiers: Orphanet 41, MedGen C0406775, MONDO:0007483, OMIM 127400.

Allele frequency attached by ClinVar (database versions not stated): gnomAD 0.00005 and 0.00006; TOPMed 0.00005; ESP Exome Variant Server 0.00015.
gnomAD v4.1: 55 of 1,614,056 alleles (0.0034%); highest among the groups gnomAD compares: Non-Finnish European, 0.0046%; no homozygotes.

Submissions (4):

CeGaT Center for Human Genetics Tuebingen
Classification: Uncertain significance. Last evaluated: 2025-10-01. Review status: criteria provided, single submitter. Criteria: CeGaT Center For Human Genetics Tuebingen Variant Classification Criteria Version 2. Collection method: clinical testing. Allele origin: germline. Affected: yes. Observed: 2 variant alleles.
Comment: ADAR: PM2, BP4

Labcorp Genetics (formerly Invitae), Labcorp
Classification: Uncertain significance for Aicardi-Goutieres syndrome 6; Symmetrical dyschromatosis of extremities. Last evaluated: 2025-09-04. Review status: criteria provided, single submitter. Criteria: Invitae Variant Classification Sherloc (09022015). Collection method: clinical testing. Allele origin: germline.
Comment: This sequence change replaces threonine, which is neutral and polar, with arginine, which is basic and polar, at codon 589 of the ADAR protein (p.Thr589Arg). This variant is present in population databases (rs373667326, gnomAD 0.007%). This variant has not been reported in the literature in individuals affected with ADAR-related conditions. ClinVar contains an entry for this variant (Variation ID: 661797). Invitae Evidence Modeling of protein sequence and biophysical properties (such as structural, functional, and spatial information, amino acid conservation, physicochemical variation, residue mobility, and thermodynamic stability) indicates that this missense variant is not expected to disrupt ADAR protein function with a negative predictive value of 80%. In summary, the available evidence is currently insufficient to determine the role of this variant in disease. Therefore, it has been classified as a Variant of Uncertain Significance.

Ambry Genetics
Classification: Uncertain significance for Inborn genetic diseases. Last evaluated: 2025-05-28. Review status: criteria provided, single submitter. Criteria: Ambry Variant Classification Scheme 2023. Collection method: clinical testing. Allele origin: germline.

Genome-Nilou Lab
Classification: Uncertain significance for Aicardi-Goutieres syndrome 6. Last evaluated: 2023-04-11. Review status: criteria provided, single submitter. Criteria: ACMG Guidelines, 2015. Collection method: clinical testing. Allele origin: germline. Affected: no.

NM_001111.5(ADAR):c.1766C>G (p.Thr589Arg)

Gene: ADAR (adenosine deaminase RNA specific; minus strand). Cytogenetic location: 1q21.3.
Variant type: single nucleotide variant.
Coding change: c.1766C>G on transcript NM_001111.5 (MANE Select); coding-DNA position 1766, C replaced by G.
Protein change: p.Thr589Arg; replaces threonine 589 with arginine.
Molecular consequence: missense variant.
Genome position (GRCh38, 1-based): chr1:154,598,421, G>C on the plus strand (C>G on the coding strand, the complement: ADAR is on the minus strand). VCF-style: chr1-154598421-G-C. GRCh37 (hg19) VCF-style: chr1-154570897-G-C.
Other names: c.881C>G, p.Thr294Arg (NM_001025107.3, NM_001193495.2, NM_001365046.1 and 3 more transcripts); c.1793C>G, p.Thr598Arg (NM_001365045.1); c.1766C>G, p.Thr589Arg (NM_015840.4, NM_015841.4, LRG_1212t1); short protein forms T589R, T598R, T294R.
Identifiers: ClinVar variation 661797 (VCV000661797.49), dbSNP rs373667326, ClinGen allele CA1131486.